The following is an entry in ClinVar:

NM_001394998.1(TANC2):c.2780C>T (p.Ala927Val)

Genes: TANC2 (tetratricopeptide repeat, ankyrin repeat and coiled-coil containing 2; plus strand), LOC105371856 (uncharacterized LOC105371856; minus strand). Cytogenetic location: 17q23.3.
Variant type: single nucleotide variant.
Coding change: c.2780C>T on transcript NM_001394998.1 (MANE Select); coding-DNA position 2780, C replaced by T.
Protein change: p.Ala927Val; replaces alanine 927 with valine.
Molecular consequence: missense variant.
Genome position (GRCh38, 1-based): chr17:63,388,723, C>T. VCF-style: chr17-63388723-C-T. GRCh37 (hg19) VCF-style: chr17-61466084-C-T.
Other names: c.2558C>T, p.Ala853Val (NM_001411076.1, NM_025185.4); short protein forms A853V, A927V.
Identifiers: ClinVar variation 3452825 (VCV003452825.2).
Genomic context (GRCh38, chr17:63,388,723, plus strand): 5'-CCTCCATCCTCCAAGGTCTCTGGATCTCTTATAGCACAGAAGGTCTTTCCATGGCACTGG[C>T]GTCTTTACGAAATCTCTACACTCCAAATATAAAGGTAAATTTATAAAGAAATTATAAATA-3'
Protein context (NP_001381927.1, residues 917-937): YSTEGLSMAL[Ala927Val]SLRNLYTPNI

ClinVar aggregate classification (germline): Uncertain significance. Review status: criteria provided, multiple submitters, no conflicts (2 of 4 stars). 2 submissions from 2 submitters: Uncertain significance (2). Last evaluated 2025-06-17.

Conditions:
TANC2-related disorder. Also called: TANC2-related condition.
Inborn genetic diseases. Identifiers: MedGen C0950123, MeSH D030342.

gnomAD v4.1: 3 of 1,583,138 alleles (0.00019%); highest among the groups gnomAD compares: Non-Finnish European, 0.00026%; no homozygotes.

Submissions (2):

PreventionGenetics, part of Exact Sciences
Classification: Uncertain significance for TANC2-related condition. Last evaluated: 2025-06-17. Review status: criteria provided, single submitter. Criteria: ACMG Guidelines, 2015. Collection method: clinical testing. Allele origin: germline.
Comment: The TANC2 c.2558C>T variant is predicted to result in the amino acid substitution p.Ala853Val. To our knowledge, this variant has not been reported in the literature or in a large population database (gnomAD), indicating this variant is rare. At this time, the clinical significance of this variant is uncertain due to the absence of conclusive functional and genetic evidence.

Ambry Genetics
Classification: Uncertain significance for Inborn genetic diseases. Last evaluated: 2024-08-28. Review status: criteria provided, single submitter. Criteria: Ambry Variant Classification Scheme 2023. Collection method: clinical testing. Allele origin: germline.